The following is an entry in ClinVar:

NM_005765.3(ATP6AP2):c.727G>A (p.Ala243Thr)

Gene: ATP6AP2 (ATPase H+ transporting accessory protein 2; plus strand). Cytogenetic location: Xp11.4.
Variant type: single nucleotide variant.
Coding change: c.727G>A on transcript NM_005765.3 (MANE Select); coding-DNA position 727, G replaced by A.
Protein change: p.Ala243Thr; replaces alanine 243 with threonine.
Molecular consequence: missense variant.
Genome position (GRCh38, 1-based): chrX:40,599,730, G>A. VCF-style: chrX-40599730-G-A. GRCh37 (hg19) VCF-style: chrX-40458982-G-A.
Other names: short protein forms A243T.
Identifiers: ClinVar variation 2148196 (VCV002148196.4), dbSNP rs770714579, ClinGen allele CA10387256.
Genomic context (GRCh38, chrX:40,599,730, plus strand): 5'-GGGAAGCGTTATGGGGAAGACTCTGAACAATTCAGAGATGCTTCTAAGATCCTTGTTGAC[G>A]CTCTGCAAAAGGTAAATATCAATGCGACATGAGAGGTTGGAGTATGACCATTTCACTTTT-3'
Protein context (NP_005756.2, residues 233-253): FRDASKILVD[Ala243Thr]LQKFADDMYS

ClinVar aggregate classification (germline): Uncertain significance (1 of 4 stars; one submission).

Conditions:
Intellectual developmental disorder, X-linked, syndromic, Hedera type. Also called: Syndromic X-linked intellectual disability Hedera type. Identifiers: Orphanet 93952, MedGen C1845543, MONDO:0010319, OMIM 300423.

Allele frequency attached by ClinVar (database versions not stated): gnomAD exomes below 0.00001; ExAC 0.00002.
gnomAD v4.1: 6 of 1,210,791 alleles (0.0005%); highest among the groups gnomAD compares: South Asian, 0.0035%; no homozygotes.

Submission:

Labcorp Genetics (formerly Invitae), Labcorp
Classification: Uncertain significance for Intellectual developmental disorder, X-linked, syndromic, Hedera type. Last evaluated: 2025-09-24. Review status: criteria provided, single submitter. Criteria: Invitae Variant Classification Sherloc (09022015). Collection method: clinical testing. Allele origin: germline.
Comment: This sequence change replaces alanine, which is neutral and non-polar, with threonine, which is neutral and polar, at codon 243 of the ATP6AP2 protein (p.Ala243Thr). This variant is present in population databases (rs770714579, gnomAD 0.01%). This variant has not been reported in the literature in individuals affected with ATP6AP2-related conditions. ClinVar contains an entry for this variant (Variation ID: 2148196). Invitae Evidence Modeling of protein sequence and biophysical properties (such as structural, functional, and spatial information, amino acid conservation, physicochemical variation, residue mobility, and thermodynamic stability) indicates that this missense variant is not expected to disrupt ATP6AP2 protein function with a negative predictive value of 80%. In summary, the available evidence is currently insufficient to determine the role of this variant in disease. Therefore, it has been classified as a Variant of Uncertain Significance.